The following is an entry in ClinVar:

NM_001367624.2(ZNF469):c.2500A>G (p.Met834Val)

Gene: ZNF469 (zinc finger protein 469; plus strand). Cytogenetic location: 16q24.2.
Variant type: single nucleotide variant.
Coding change: c.2500A>G on transcript NM_001367624.2 (MANE Select); coding-DNA position 2500, A replaced by G.
Protein change: p.Met834Val; replaces methionine 834 with valine.
Molecular consequence: missense variant.
Genome position (GRCh38, 1-based): chr16:88,429,970, A>G. VCF-style: chr16-88429970-A-G. GRCh37 (hg19) VCF-style: chr16-88496378-A-G.
Other names: NM_001127464.1:c.2500A>G; p.Met834Val; NM_001127464.2:c.2500A>G; short protein forms M834V.
Identifiers: ClinVar variation 1211821 (VCV001211821.11), dbSNP rs1038974205, ClinGen allele CA286373754.

ClinVar aggregate classification (germline): Uncertain significance. Review status: criteria provided, multiple submitters, no conflicts (2 of 4 stars). 6 submissions from 6 submitters: Uncertain significance (6). Last evaluated 2026-09-10.

Conditions:
ZNF469-related disorder. Also called: ZNF469-related condition.
Cardiovascular phenotype. Identifiers: MedGen CN230736.

Allele frequency attached by ClinVar (database versions not stated): gnomAD exomes 0.00003; gnomAD 0.00004 and 0.00005; TOPMed 0.00006.
gnomAD v4.1: 91 of 1,550,094 alleles (0.0059%); highest among the groups gnomAD compares: Non-Finnish European, 0.0076%; no homozygotes.

Submissions (6):

PreventionGenetics, part of Exact Sciences
Classification: Uncertain significance for ZNF469-related condition. Last evaluated: 2026-09-10. Review status: criteria provided, single submitter. Criteria: ACMG Guidelines, 2015. Collection method: clinical testing. Allele origin: germline.
Comment: The ZNF469 c.2500A>G variant is predicted to result in the amino acid substitution p.Met834Val. To our knowledge, this variant has not been reported in the literature. This variant is reported in 0.011% of alleles in individuals of European (Non-Finnish) descent in gnomAD. At this time, the clinical significance of this variant is uncertain due to the absence of conclusive functional and genetic evidence.

Mayo Clinic Laboratories, Mayo Clinic
Classification: Uncertain significance. Last evaluated: 2024-08-02. Review status: criteria provided, single submitter. Criteria: ACMG Guidelines, 2015. Collection method: clinical testing. Allele origin: germline. Observed: 1 variant allele.
Comment: BP4

GeneDx
Classification: Uncertain significance. Last evaluated: 2024-07-23. Review status: criteria provided, single submitter. Criteria: GeneDx Variant Classification Process June 2021. Collection method: clinical testing. Allele origin: germline. Affected: yes.
Comment: Has not been previously published as pathogenic or benign to our knowledge; Not observed at significant frequency in large population cohorts (gnomAD); In silico analysis indicates that this missense variant does not alter protein structure/function

Ambry Genetics
Classification: Uncertain significance for Cardiovascular phenotype. Last evaluated: 2023-04-28. Review status: criteria provided, single submitter. Criteria: Ambry Variant Classification Scheme 2023. Collection method: clinical testing. Allele origin: germline.

Labcorp Genetics (formerly Invitae), Labcorp
Classification: Uncertain significance. Last evaluated: 2021-10-21. Review status: criteria provided, single submitter. Criteria: Invitae Variant Classification Sherloc (09022015). Collection method: clinical testing. Allele origin: germline.
Comment: This sequence change replaces methionine, which is neutral and non-polar, with valine, which is neutral and non-polar, at codon 834 of the ZNF469 protein (p.Met834Val). This variant is present in population databases (no rsID available, gnomAD 0.01%). This variant has not been reported in the literature in individuals affected with ZNF469-related conditions. Algorithms developed to predict the effect of missense changes on protein structure and function (SIFT, PolyPhen-2, Align-GVGD) all suggest that this variant is likely to be tolerated. In summary, the available evidence is currently insufficient to determine the role of this variant in disease. Therefore, it has been classified as a Variant of Uncertain Significance.

Blueprint Genetics
Classification: Uncertain significance. Last evaluated: 2017-06-12. Review status: criteria provided, single submitter. Criteria: ACMG Guidelines, 2015. Collection method: clinical testing. Allele origin: germline.